The following is an entry in ClinVar:

NM_002524.5(NRAS):c.511C>T (p.Leu171Phe)

Gene: NRAS (NRAS proto-oncogene, GTPase; minus strand). Cytogenetic location: 1p13.2.
Variant type: single nucleotide variant.
Coding change: c.511C>T on transcript NM_002524.5 (MANE Select); coding-DNA position 511, C replaced by T.
Protein change: p.Leu171Phe; replaces leucine 171 with phenylalanine.
Molecular consequence: missense variant.
Genome position (GRCh38, 1-based): chr1:114,708,594, G>A on the plus strand (C>T on the coding strand, the complement: NRAS is on the minus strand). VCF-style: chr1-114708594-G-A. GRCh37 (hg19) VCF-style: chr1-115251215-G-A.
Other names: short protein forms L171F.
Identifiers: ClinVar variation 3669293 (VCV003669293.2).

ClinVar aggregate classification (germline): Uncertain significance (1 of 4 stars; one submission).

Conditions:
RASopathy. Also called: Noonan spectrum disorder; rasopathies. Identifiers: Orphanet 536391, MedGen C5555857, MONDO:0021060.

gnomAD v4.1: 1 of 1,612,948 alleles (0.000062%); highest among the groups gnomAD compares: South Asian, 0.0011%; no homozygotes.

Submission:

Labcorp Genetics (formerly Invitae), Labcorp
Classification: Uncertain significance for RASopathy. Last evaluated: 2024-02-15. Review status: criteria provided, single submitter. Criteria: Invitae Variant Classification Sherloc (09022015). Collection method: clinical testing. Allele origin: germline.
Comment: This sequence change replaces leucine, which is neutral and non-polar, with phenylalanine, which is neutral and non-polar, at codon 171 of the NRAS protein (p.Leu171Phe). This variant is not present in population databases (gnomAD no frequency). This variant has not been reported in the literature in individuals affected with NRAS-related conditions. Advanced modeling of protein sequence and biophysical properties (such as structural, functional, and spatial information, amino acid conservation, physicochemical variation, residue mobility, and thermodynamic stability) performed at Invitae indicates that this missense variant is not expected to disrupt NRAS protein function with a negative predictive value of 95%. In summary, the available evidence is currently insufficient to determine the role of this variant in disease. Therefore, it has been classified as a Variant of Uncertain Significance.